The following is an entry in ClinVar:

NM_173354.5(SIK1):c.1415A>T (p.His472Leu)

Gene: SIK1 (salt inducible kinase 1; minus strand). Cytogenetic location: 21q22.3.
Variant type: single nucleotide variant.
Coding change: c.1415A>T on transcript NM_173354.5 (MANE Select); coding-DNA position 1415, A replaced by T.
Protein change: p.His472Leu; replaces histidine 472 with leucine.
Molecular consequence: missense variant.
Genome position (GRCh38, 1-based): chr21:43,419,068, T>A on the plus strand (A>T on the coding strand, the complement: SIK1 is on the minus strand). VCF-style: chr21-43419068-T-A. GRCh37 (hg19) VCF-style: chr21-44838948-T-A.
Other names: short protein forms H472L.
Identifiers: ClinVar variation 837596 (VCV000837596.11), dbSNP rs998623002, ClinGen allele CA321325841.

ClinVar aggregate classification (germline): Uncertain significance. Review status: criteria provided, multiple submitters, no conflicts (2 of 4 stars). 2 submissions from 2 submitters: Uncertain significance (2). Last evaluated 2024-06-26.

Conditions:
Inborn genetic diseases. Identifiers: MedGen C0950123, MeSH D030342.
Developmental and epileptic encephalopathy, 30 (DEE30). Also called: Epileptic encephalopathy, early infantile, 30. Identifiers: MedGen C4225360, MONDO:0014595, OMIM 616341.

Allele frequency attached by ClinVar (database versions not stated): gnomAD exomes 0.00001.

Submissions (2):

Ambry Genetics
Classification: Uncertain significance for Inborn genetic diseases. Last evaluated: 2024-06-26. Review status: criteria provided, single submitter. Criteria: Ambry Variant Classification Scheme 2023. Collection method: clinical testing. Allele origin: germline.

Labcorp Genetics (formerly Invitae), Labcorp
Classification: Uncertain significance for Developmental and epileptic encephalopathy, 30. Last evaluated: 2022-03-25. Review status: criteria provided, single submitter. Criteria: Invitae Variant Classification Sherloc (09022015). Collection method: clinical testing. Allele origin: germline.
Comment: This variant is present in population databases (no rsID available, gnomAD 0.008%). In summary, the available evidence is currently insufficient to determine the role of this variant in disease. Therefore, it has been classified as a Variant of Uncertain Significance. Algorithms developed to predict the effect of missense changes on protein structure and function are either unavailable or do not agree on the potential impact of this missense change (SIFT: "Deleterious"; PolyPhen-2: "Probably Damaging"; Align-GVGD: "Class C15"). ClinVar contains an entry for this variant (Variation ID: 837596). This variant has not been reported in the literature in individuals affected with SIK1-related conditions. This sequence change replaces histidine, which is basic and polar, with leucine, which is neutral and non-polar, at codon 472 of the SIK1 protein (p.His472Leu).